The following is an entry in ClinVar:

NM_003835.4(RGS9):c.1848C>G (p.Asp616Glu)

Gene: RGS9 (regulator of G protein signaling 9; plus strand). Cytogenetic location: 17q24.1.
Variant type: single nucleotide variant.
Coding change: c.1848C>G on transcript NM_003835.4 (MANE Select); coding-DNA position 1848, C replaced by G.
Protein change: p.Asp616Glu; replaces aspartic acid 616 with glutamic acid.
Molecular consequence: missense variant.
Genome position (GRCh38, 1-based): chr17:65,225,442, C>G. VCF-style: chr17-65225442-C-G. GRCh37 (hg19) VCF-style: chr17-63221560-C-G.
Other names: c.1839C>G, p.Asp613Glu (NM_001081955.3); short protein forms D613E, D616E.
Identifiers: ClinVar variation 1016967 (VCV001016967.8), dbSNP rs377298133, ClinGen allele CA400674093.

ClinVar aggregate classification (germline): Uncertain significance (1 of 4 stars; one submission).

Submission:

Labcorp Genetics (formerly Invitae), Labcorp
Classification: Uncertain significance. Last evaluated: 2020-08-04. Review status: criteria provided, single submitter. Criteria: Invitae Variant Classification Sherloc (09022015). Collection method: clinical testing. Allele origin: germline.
Comment: In summary, the available evidence is currently insufficient to determine the role of this variant in disease. Therefore, it has been classified as a Variant of Uncertain Significance. This variant has not been reported in the literature in individuals with RGS9-related conditions. Algorithms developed to predict the effect of missense changes on protein structure and function output the following: SIFT: "Tolerated"; PolyPhen-2: "Benign"; Align-GVGD: "Class C0". The glutamic acid amino acid residue is found in multiple mammalian species, suggesting that this missense change does not adversely affect protein function. These predictions have not been confirmed by published functional studies and their clinical significance is uncertain. Algorithms developed to predict the effect of sequence changes on RNA splicing suggest that this variant may create or strengthen a splice site, but this prediction has not been confirmed by published transcriptional studies. This sequence change replaces aspartic acid with glutamic acid at codon 616 of the RGS9 protein (p.Asp616Glu). The aspartic acid residue is moderately conserved and there is a small physicochemical difference between aspartic acid and glutamic acid. This variant is not present in population databases (ExAC no frequency).